The following is an entry in ClinVar:

ClinVar aggregate classification (germline): Benign. Review status: criteria provided, multiple submitters, no conflicts (2 of 4 stars). 7 submissions from 7 submitters: Benign (7). Last evaluated 2026-05-09.

Conditions:
Epiphyseal dysplasia, multiple, 2 (EDM2). Also called: COL9A2-Related Multiple Epiphyseal Dysplasia. Identifiers: MedGen C1838429, MONDO:0010844, OMIM 600204.

Allele frequency attached by ClinVar (database versions not stated): 1000 Genomes Project 0.03315; 1000 Genomes Project 30x 0.03404; ESP Exome Variant Server 0.04497; gnomAD 0.05130 and 0.05200; TOPMed 0.05153; gnomAD exomes 0.05382 and 0.06204; ExAC 0.05919.
gnomAD v4.1: 94,432 of 1,552,050 alleles (6.1%); highest among the groups gnomAD compares: Non-Finnish European, 6.6%; 3,085 homozygotes.

Submissions (7):

Women's Health and Genetics/Laboratory Corporation of America, LabCorp
Classification: Benign. Last evaluated: 2026-05-09. Review status: criteria provided, single submitter. Criteria: LabCorp Variant Classification Summary - May 2015. Collection method: clinical testing. Allele origin: germline.

Labcorp Genetics (formerly Invitae), Labcorp
Classification: Benign. Last evaluated: 2026-02-04. Review status: criteria provided, single submitter. Criteria: Invitae Variant Classification Sherloc (09022015). Collection method: clinical testing. Allele origin: germline.

Blueprint Genetics
Classification: Benign. Last evaluated: 2024-11-26. Review status: criteria provided, single submitter. Criteria: ACMG Guidelines, 2015. Collection method: clinical testing. Allele origin: germline.

Illumina Laboratory Services, Illumina
Classification: Benign for Epiphyseal dysplasia, multiple, 2. Last evaluated: 2018-01-12. Review status: criteria provided, single submitter. Criteria: ICSL Variant Classification Criteria 13 December 2019. Collection method: clinical testing. Allele origin: germline.
Comment: This variant was observed in the ICSL laboratory as part of a predisposition screen in an ostensibly healthy population. It had not been previously curated by ICSL or reported in the Human Gene Mutation Database (HGMD: prior to June 1st, 2018), and was therefore a candidate for classification through an automated scoring system. Utilizing variant allele frequency, disease prevalence and penetrance estimates, and inheritance mode, an automated score was calculated to assess if this variant is too frequent to cause the disease. Based on the score and internal cut-off values, a variant classified as benign is not then subjected to further curation. The score for this variant resulted in a classification of benign for this disease.

GeneDx
Classification: Benign. Last evaluated: 2016-10-05. Review status: criteria provided, single submitter. Criteria: GeneDx Variant Classification (06012015). Collection method: clinical testing. Allele origin: germline. Affected: yes.
Comment: This variant is considered likely benign or benign based on one or more of the following criteria: it is a conservative change, it occurs at a poorly conserved position in the protein, it is predicted to be benign by multiple in silico algorithms, and/or has population frequency not consistent with disease.

Breakthrough Genomics
Classification: Benign. Review status: criteria provided, single submitter. Criteria: ACMG Guidelines, 2015. Collection method: not provided. Allele origin: germline. Inheritance: Autosomal recessive inheritance. Affected: yes.

PreventionGenetics, part of Exact Sciences
Classification: Benign. Review status: criteria provided, single submitter. Criteria: ACMG Guidelines, 2015. Collection method: clinical testing. Allele origin: germline.

NM_001852.4(COL9A2):c.1368+12G>A

Gene: COL9A2 (collagen type IX alpha 2 chain; minus strand). Cytogenetic location: 1p34.2.
Variant type: single nucleotide variant.
Coding change: c.1368+12G>A on transcript NM_001852.4 (MANE Select); 12 bases into the intron after coding-DNA position 1368, G replaced by A.
Molecular consequence: intron variant.
Genome position (GRCh38, 1-based): chr1:40,303,916, C>T on the plus strand (G>A on the coding strand, the complement: COL9A2 is on the minus strand). VCF-style: chr1-40303916-C-T. GRCh37 (hg19) VCF-style: chr1-40769588-C-T.
Identifiers: ClinVar variation 258373 (VCV000258373.17), dbSNP rs112370406, ClinGen allele CA791468.